The following is an entry in ClinVar:

ClinVar aggregate classification (germline): Pathogenic/Likely pathogenic. Review status: criteria provided, multiple submitters, no conflicts (2 of 4 stars). 9 submissions from 9 submitters: Pathogenic (4); Likely pathogenic (1). 4 of the submissions do not count toward it. Last evaluated 2025-11-24.

Conditions:
PDE6B-related disorder. Also called: PDE6B-related disease; PDE6B-related condition; PDE6B-related disorders.
Retinitis pigmentosa (RP). Identifiers: Orphanet 791, MedGen C0035334, MeSH D012174, MONDO:0019200, OMIM 268000. Inheritance: Autosomal dominant, autosomal recessive and X linked inheritance.
Retinitis pigmentosa 40 (RP40). Identifiers: Orphanet 791, MedGen C3151107, MONDO:0013429, OMIM 613801.

Submissions (9):

PreventionGenetics, part of Exact Sciences
Classification: Pathogenic for PDE6B-related condition. Last evaluated: 2025-11-24. Review status: criteria provided, single submitter. Criteria: ACMG Guidelines, 2015. Collection method: clinical testing. Allele origin: germline.
Comment: The PDE6B c.1923_1969delinsTCTGGG variant is predicted to result in a frameshift and premature protein termination (p.Asn643Glyfs*29). This variant has been reported in the compound heterozygous state in individuals with retinal disease (see, for example, Table S2, Carss et al. 2016. PubMed ID: 28041643). This variant has not been reported in a large population database (gnomAD), indicating this variant is rare. Frameshift variants in PDE6B are an established mechanism of autosomal recessive disease. This variant is interpreted as pathogenic.

GeneDx
Classification: Pathogenic. Last evaluated: 2025-05-13. Review status: criteria provided, single submitter. Criteria: GeneDx Variant Classification Process June 2021. Collection method: clinical testing. Allele origin: germline. Affected: yes.
Comment: Frameshift variant predicted to result in protein truncation or nonsense mediated decay in a gene for which loss of function is a known mechanism of disease; Not observed at significant frequency in large population cohorts (gnomAD); This variant is associated with the following publications: (PMID: 25356970, 25999674, 28041643, 24828262)

Labcorp Genetics (formerly Invitae), Labcorp
Classification: Pathogenic. Last evaluated: 2022-02-10. Review status: criteria provided, single submitter. Criteria: Invitae Variant Classification Sherloc (09022015). Collection method: clinical testing. Allele origin: germline.
Comment: ClinVar contains an entry for this variant (Variation ID: 224742). For these reasons, this variant has been classified as Pathogenic. This premature translational stop signal has been observed in individual(s) with inherited autosomal recessive retinal disease (PMID: 26872967, 28041643). This variant is not present in population databases (gnomAD no frequency). This sequence change creates a premature translational stop signal (p.Asn643Glyfs*29) in the PDE6B gene. It is expected to result in an absent or disrupted protein product. Loss-of-function variants in PDE6B are known to be pathogenic (PMID: 8394174, 8595886, 22334370).

Ocular Genomics Institute, Massachusetts Eye and Ear
Classification: Likely pathogenic for Retinitis pigmentosa 40. Last evaluated: 2021-04-08. Review status: criteria provided, single submitter. Criteria: ACMG Guidelines, 2015. Collection method: research. Allele origin: germline. Affected: yes.
Comment: Through a review of available evidence we were able to apply the following criteria: PVS1, PM2. Based on this evidence we have classified this variant as Likely Pathogenic.

Molecular Genetics Laboratory, Institute for Ophthalmic Research
Classification: Pathogenic for Retinitis pigmentosa. Last evaluated: 2020-01-09. Review status: criteria provided, single submitter. Criteria: ACMG Guidelines, 2015. Collection method: research. Allele origin: germline. Affected: yes.

Department of Clinical Genetics, Copenhagen University Hospital, Rigshospitalet
Classification: Likely pathogenic for Retinitis pigmentosa. Last evaluated: 2018-04-01. Review status: no assertion criteria provided. Collection method: research. Allele origin: unknown. Affected: yes. Study: VeluxRD. Not counted in ClinVar's aggregate classification.

Joint Genome Diagnostic Labs from Nijmegen and Maastricht, Radboudumc and MUMC+
Classification: Pathogenic for Retinitis pigmentosa 40. Last evaluated: 2016-09-01. Review status: no assertion criteria provided. Collection method: clinical testing. Allele origin: inherited. Affected: yes. Observed: 1 variant allele. Not counted in ClinVar's aggregate classification.

Centre for Genomic Medicine, Manchester, Central Manchester University Hospitals
Classification: Likely pathogenic for Retinitis pigmentosa 40. Last evaluated: 2015-05-12. Review status: no assertion criteria provided. Collection method: clinical testing. Allele origin: germline. Affected: yes. Not counted in ClinVar's aggregate classification.

NIHR Bioresource Rare Diseases, University of Cambridge
Classification: Likely pathogenic for Retinitis pigmentosa. Last evaluated: 2015-01-01. Review status: no assertion criteria provided. Collection method: research. Allele origin: unknown. Affected: yes. Observed: 1 variant allele. Not counted in ClinVar's aggregate classification.

Literature cited by the submitters: PubMed 26872967 (cited by Labcorp Genetics (formerly Invitae), Labcorp and Centre for Genomic Medicine, Manchester, Central Manchester University Hospitals); PubMed 28041643 (cited by Labcorp Genetics (formerly Invitae), Labcorp and NIHR Bioresource Rare Diseases, University of Cambridge); PubMed 8394174 (cited by Labcorp Genetics (formerly Invitae), Labcorp); PubMed 8595886 (cited by Labcorp Genetics (formerly Invitae), Labcorp); PubMed 22334370 (cited by Labcorp Genetics (formerly Invitae), Labcorp); PubMed 30718709 (cited by Department of Clinical Genetics, Copenhagen University Hospital, Rigshospitalet).

NM_000283.4(PDE6B):c.1923_1969delinsTCTGGG (p.Asn643fs)

Gene: PDE6B (phosphodiesterase 6B; plus strand). Cytogenetic location: 4p16.3.
Variant type: Indel.
Coding change: c.1923_1969delinsTCTGGG on transcript NM_000283.4 (MANE Select); coding-DNA positions 1923 to 1969, the reference bases replaced by TCTGGG.
Protein change: p.Asn643fs; shifts the reading frame from asparagine 643.
Molecular consequence: frameshift variant.
Genome position (GRCh38, 1-based): chr4:663,772-663,818, 47 bases replaced. GRCh37 (hg19): chr4:657,561-657,607.
Other names: c.1923_1969del47insTCTGGG (NM_000283.3); c.1923_1969delinsTCTGGG, p.Asn643fs (NM_001145291.2); c.1086_1132delinsTCTGGG, p.Asn364fs (NM_001145292.2, NM_001350154.3, NM_001379246.1 and 1 more transcripts); c.768_814delinsTCTGGG, p.Asn258fs (NM_001350155.3); short protein forms N364fs, N643fs, N258fs.
Identifiers: ClinVar variation 224742 (VCV000224742.19), dbSNP rs869312177, ClinGen allele CA090985.